The following is an entry in ClinVar:

NM_000611.6(CD59):c.43G>A (p.Val15Ile)

Gene: CD59 (CD59 molecule (CD59 blood group); minus strand). Cytogenetic location: 11p13.
Variant type: single nucleotide variant.
Coding change: c.43G>A on transcript NM_000611.6 (MANE Select); coding-DNA position 43, G replaced by A.
Protein change: p.Val15Ile; replaces valine 15 with isoleucine.
Molecular consequence: missense variant.
Genome position (GRCh38, 1-based): chr11:33,722,403, C>T on the plus strand (G>A on the coding strand, the complement: CD59 is on the minus strand). VCF-style: chr11-33722403-C-T. GRCh37 (hg19) VCF-style: chr11-33743949-C-T.
Other names: c.43G>A, p.Val15Ile (NM_001127223.1, NM_001127225.2, NM_001127226.2 and 4 more transcripts); short protein forms V15I.
Identifiers: ClinVar variation 1163339 (VCV001163339.8), dbSNP rs971343343, ClinGen allele CA219604129.

ClinVar aggregate classification (germline): Conflicting classifications of pathogenicity. Review status: criteria provided, conflicting classifications (1 of 4 stars). 3 submissions from 3 submitters: Uncertain significance (2); Likely benign (1). Last evaluated 2023-08-21.

Conditions:
Inborn genetic diseases. Identifiers: MedGen C0950123, MeSH D030342.

Allele frequency attached by ClinVar (database versions not stated): gnomAD exomes 0.00003.
gnomAD v4.1: 35 of 1,613,786 alleles (0.0022%); highest among the groups gnomAD compares: Admixed American, 0.0033%; no homozygotes.

Submissions (3):

Ambry Genetics
Classification: Likely benign for Inborn genetic diseases. Last evaluated: 2023-08-21. Review status: criteria provided, single submitter. Criteria: Ambry Variant Classification Scheme 2023. Collection method: clinical testing. Allele origin: germline.

Labcorp Genetics (formerly Invitae), Labcorp
Classification: Uncertain significance. Last evaluated: 2022-06-13. Review status: criteria provided, single submitter. Criteria: Invitae Variant Classification Sherloc (09022015). Collection method: clinical testing. Allele origin: germline.
Comment: This sequence change replaces valine, which is neutral and non-polar, with isoleucine, which is neutral and non-polar, at codon 15 of the CD59 protein (p.Val15Ile). This variant is present in population databases (no rsID available, gnomAD 0.006%). This variant has not been reported in the literature in individuals affected with CD59-related conditions. ClinVar contains an entry for this variant (Variation ID: 1163339). Algorithms developed to predict the effect of missense changes on protein structure and function output the following: SIFT: "Tolerated"; PolyPhen-2: "Benign"; Align-GVGD: "Class C0". The isoleucine amino acid residue is found in multiple mammalian species, which suggests that this missense change does not adversely affect protein function. In summary, the available evidence is currently insufficient to determine the role of this variant in disease. Therefore, it has been classified as a Variant of Uncertain Significance.

Mayo Clinic Laboratories, Mayo Clinic
Classification: Uncertain significance. Last evaluated: 2019-10-04. Review status: criteria provided, single submitter. Criteria: ACMG Guidelines, 2015. Collection method: clinical testing. Allele origin: germline. Observed: 1 variant allele.